The following is an entry in ClinVar:

ClinVar aggregate classification (germline): Likely benign (1 of 4 stars; one submission).

Allele frequency attached by ClinVar (database versions not stated): gnomAD exomes 0.00001; gnomAD 0.00004 and 0.00005; TOPMed 0.00005; 1000 Genomes Project 0.00020; 1000 Genomes Project 30x 0.00031.

Submission:

GeneDx
Classification: Likely benign. Last evaluated: 2017-01-06. Review status: criteria provided, single submitter. Criteria: GeneDx Variant Classification (06012015). Collection method: clinical testing. Allele origin: germline. Affected: yes.
Comment: This variant is considered likely benign or benign based on one or more of the following criteria: it is a conservative change, it occurs at a poorly conserved position in the protein, it is predicted to be benign by multiple in silico algorithms, and/or has population frequency not consistent with disease.

NM_001370298.3(FGD4):c.176C>G (p.Thr59Ser)

Gene: FGD4 (FYVE, RhoGEF and PH domain containing 4; plus strand). Cytogenetic location: 12p11.21.
Variant type: single nucleotide variant.
Coding change: c.176C>G on transcript NM_001370298.3 (MANE Select); coding-DNA position 176, C replaced by G.
Protein change: p.Thr59Ser; replaces threonine 59 with serine.
Molecular consequence: missense variant. On other transcripts: 5 prime UTR variant (12), non-coding transcript variant (1).
Genome position (GRCh38, 1-based): chr12:32,564,146, C>G. VCF-style: chr12-32564146-C-G. GRCh37 (hg19) VCF-style: chr12-32717080-C-G.
Other names: c.20C>G, p.Thr7Ser (NM_001304481.2); c.-1080C>G (NM_001304483.2); c.-1387C>G (NM_001304484.2); c.-331C>G (NM_001330373.2, NM_001330374.2, NM_001384130.1); c.-96C>G (NM_001370297.1); c.176C>G, p.Thr59Ser (NM_001384126.1); c.-236C>G (NM_001384127.1, NM_001384128.1, NM_001384131.1 and 3 more transcripts); short protein forms T7S, T59S.
Identifiers: ClinVar variation 392193 (VCV000392193.1), dbSNP rs187853007, ClinGen allele CA16607248.